The following is an entry in ClinVar:

ClinVar aggregate classification (germline): Uncertain significance (1 of 4 stars; one submission).

gnomAD v4.1: 19 of 1,613,588 alleles (0.0012%); highest among the groups gnomAD compares: East Asian, 0.011%; no homozygotes.

Submission:

Labcorp Genetics (formerly Invitae), Labcorp
Classification: Uncertain significance. Last evaluated: 2025-12-24. Review status: criteria provided, single submitter. Criteria: Invitae Variant Classification Sherloc (09022015). Collection method: clinical testing. Allele origin: germline.
Comment: This sequence change falls in intron 8 of the HNF4A gene. It does not directly change the encoded amino acid sequence of the HNF4A protein. It affects a nucleotide within the consensus splice site. This variant is present in population databases (rs778568419, gnomAD 0.02%). This variant has not been reported in the literature in individuals affected with HNF4A-related conditions. Variants that disrupt the consensus splice site are a relatively common cause of aberrant splicing (PMID: 17576681, 9536098). Algorithms developed to predict the effect of sequence changes on RNA splicing suggest that this variant is not likely to affect RNA splicing. In summary, the available evidence is currently insufficient to determine the role of this variant in disease. Therefore, it has been classified as a Variant of Uncertain Significance.

Literature cited by the submitters: PubMed 17576681; PubMed 9536098.

NM_175914.5(HNF4A):c.1063+4C>T

Gene: HNF4A (hepatocyte nuclear factor 4 alpha; plus strand). Cytogenetic location: 20q13.12.
Variant type: single nucleotide variant.
Coding change: c.1063+4C>T on transcript NM_175914.5 (MANE Select); 4 bases into the intron after coding-DNA position 1063, C replaced by T.
Molecular consequence: intron variant. On other transcripts: missense variant (3).
Genome position (GRCh38, 1-based): chr20:44,424,258, C>T. VCF-style: chr20-44424258-C-T. GRCh37 (hg19) VCF-style: chr20-43052898-C-T.
Other names: c.1067C>T, p.Pro356Leu (NM_001030004.3); c.1058C>T, p.Pro353Leu (NM_001287184.2); c.1133C>T, p.Pro378Leu (NM_178850.3); c.1054+4C>T (NM_001287182.2, NM_001287183.2); c.1063+4C>T (NM_001030003.3); c.1108+4C>T (NM_001258355.2); c.1129+4C>T (NM_178849.3, NM_000457.6); short protein forms P353L, P356L, P378L.
Identifiers: ClinVar variation 4775296 (VCV004775296.1).